The following is an entry in ClinVar:

NM_001385012.1(NBEA):c.8596C>T (p.Arg2866Ter)

Gene: NBEA (neurobeachin; plus strand). Cytogenetic location: 13q13.3.
Variant type: single nucleotide variant.
Coding change: c.8596C>T on transcript NM_001385012.1 (MANE Select); coding-DNA position 8596, C replaced by T.
Protein change: p.Arg2866Ter; replaces arginine 2866 with a stop codon.
Molecular consequence: nonsense.
Genome position (GRCh38, 1-based): chr13:35,667,505, C>T. VCF-style: chr13-35667505-C-T. GRCh37 (hg19) VCF-style: chr13-36241642-C-T.
Other names: c.1912C>T, p.Arg638Ter (NM_001204197.3); c.8587C>T, p.Arg2863Ter (NM_001379245.1); c.8533C>T, p.Arg2845Ter (NM_015678.5); short protein forms R2845*, R2863*, R2866*, R638*.
Identifiers: ClinVar variation 3065998 (VCV003065998.3), dbSNP rs1288199769, ClinGen allele CA387842948.

ClinVar aggregate classification (germline): Pathogenic. Review status: criteria provided, multiple submitters, no conflicts (2 of 4 stars). 3 submissions from 3 submitters: Pathogenic (2). 1 of the submissions does not count toward it. Last evaluated 2026-07-11.

Conditions:
Neurodevelopmental disorder with or without early-onset generalized epilepsy. Identifiers: MedGen C5436914, MONDO:0030930, OMIM 619157.

Allele frequency attached by ClinVar (database versions not stated): 1000 Genomes Project 30x 0.00016.

Submissions (3):

Victorian Clinical Genetics Services, Murdoch Childrens Research Institute
Classification: Pathogenic for Neurodevelopmental disorder with or without early-onset generalized epilepsy. Last evaluated: 2026-07-11. Review status: criteria provided, single submitter. Criteria: ACMG Guidelines, 2015. Collection method: clinical testing. Allele origin: germline. Affected: yes.
Comment: This variant is classified as Pathogenic. Evidence in support of pathogenic classification: This variant is predicted to cause nonsense-mediated decay (NMD) and loss of protein (premature termination codon is located at least 54 nucleotides upstream of the final exon-exon junction); This variant is absent from gnomAD v4; This variant has limited previous evidence of pathogenicity in unrelated individuals. This variant has been classified as likely pathogenic/pathogenic by clinical laboratories in ClinVar; Other variants comparable to the one identified in this case have very strong previous evidence for pathogenicity (DECIPHER). Additional information: This variant is heterozygous; This gene is associated with autosomal dominant disease; Loss of function is a known mechanism of disease in this gene and is associated with neurodevelopmental disorder with or without early-onset generalised epilepsy (MIM#619157); Inheritance information for this variant is not currently available in this individual.

Institute of Human Genetics, University of Leipzig Medical Center
Classification: Pathogenic for Neurodevelopmental disorder with or without early-onset generalized epilepsy. Last evaluated: 2025-10-14. Review status: criteria provided, single submitter. Criteria: ACMG Guidelines, 2015. Collection method: clinical testing. Allele origin: de novo. Inheritance: Autosomal dominant inheritance. Affected: yes.
Comment: Criteria applied: PM2,PS2,PVS1

Clinical Genetics Laboratory, University Hospital Schleswig-Holstein
Classification: Likely pathogenic for Neurodevelopmental disorder with or without early-onset generalized epilepsy. Last evaluated: 2022-11-29. Review status: no assertion criteria provided. Collection method: clinical testing. Allele origin: germline. Affected: yes. Not counted in ClinVar's aggregate classification.